The following is an entry in ClinVar:

NM_033305.3(VPS13A):c.1398_1399insCTTCTTTG (p.Tyr467fs)

Gene: VPS13A (vacuolar protein sorting 13 homolog A; plus strand). Cytogenetic location: 9q21.2.
Variant type: Insertion.
Coding change: c.1398_1399insCTTCTTTG on transcript NM_033305.3 (MANE Select); coding-DNA positions 1398 to 1399, CTTCTTTG inserted.
Protein change: p.Tyr467fs; shifts the reading frame from tyrosine 467.
Molecular consequence: frameshift variant.
Genome position: GRCh38 VCF-style: chr9-77227431-C-CCTTCTTTG. GRCh37 (hg19) VCF-style: chr9-79842347-C-CCTTCTTTG.
Other names: c.1398_1399insCTTCTTTG, p.Tyr467fs (NM_001018037.2, NM_001018038.3, NM_015186.4); short protein forms Y467fs.
Identifiers: ClinVar variation 5011013 (VCV005011013.1).

ClinVar aggregate classification (germline): Pathogenic (1 of 4 stars; one submission).

Conditions:
VPS13A-related neurodegenerative disease. Also called: ACANTHOCYTOSIS WITH NEUROLOGIC DISORDER; LEVINE-CRITCHLEY SYNDROME; Choreoacanthocytosis; Chorea-acanthocytosis; Choreaacanthocytosis; VPS13A Disease. Identifiers: Orphanet 2388, MedGen C0393576, MONDO:0008695, OMIM 200150.

Submission:

Myriad Genetics, Inc.
Classification: Pathogenic for VPS13A-related neurodegenerative disease. Last evaluated: 2024-05-14. Review status: criteria provided, single submitter. Criteria: Myriad Autosomal Dominant, Autosomal Recessive and X-Linked Classification Criteria (2023). Collection method: clinical testing. Allele origin: unknown.
Comment: NM_033305.2(VPS13A):c.1398_1399ins8(Y467Lfs*19) is expected to be pathogenic in the context of VPS13A disease. This variant is predicted to lead to an abnormal or absent protein product due to the creation of a premature termination codon in VPS13A, a gene where loss-of-function variants are known to be pathogenic. Please note: this variant was assessed in the context of healthy population screening.